The following is an entry in ClinVar:

NM_003803.4(MYOM1):c.2564C>T (p.Thr855Ile)

Gene: MYOM1 (myomesin 1; minus strand). Cytogenetic location: 18p11.31.
Variant type: single nucleotide variant.
Coding change: c.2564C>T on transcript NM_003803.4 (MANE Select); coding-DNA position 2564, C replaced by T.
Protein change: p.Thr855Ile; replaces threonine 855 with isoleucine.
Molecular consequence: missense variant. On other transcripts: intron variant (1).
Genome position (GRCh38, 1-based): chr18:3,129,462, G>A on the plus strand (C>T on the coding strand, the complement: MYOM1 is on the minus strand). VCF-style: chr18-3129462-G-A. GRCh37 (hg19) VCF-style: chr18-3129460-G-A.
Other names: c.2506+1913C>T (NM_019856.2); short protein forms T855I.
Identifiers: ClinVar variation 1793148 (VCV001793148.2), dbSNP rs2079844454, ClinGen allele CA401710445.

ClinVar aggregate classification (germline): Uncertain significance (1 of 4 stars; one submission).

Allele frequency attached by ClinVar (database versions not stated): gnomAD exomes below 0.00001; TOPMed below 0.00001.
gnomAD v4.1: 1 of 1,613,906 alleles (0.000062%); highest among the groups gnomAD compares: African/African-American, 0.0013%; no homozygotes.

Submission:

Ambry Genetics
Classification: Uncertain significance. Last evaluated: 2022-04-03. Review status: criteria provided, single submitter. Criteria: Ambry Variant Classification Scheme 2023. Collection method: clinical testing. Allele origin: germline.
Comment: The p.T855I variant (also known as c.2564C>T), located in coding exon 17 of the MYOM1 gene, results from a C to T substitution at nucleotide position 2564. The threonine at codon 855 is replaced by isoleucine, an amino acid with similar properties. This amino acid position is conserved. In addition, the in silico prediction for this alteration is inconclusive. Since supporting evidence is limited at this time, the clinical significance of this alteration remains unclear.